The following is an entry in ClinVar:

NM_002828.4(PTPN2):c.1032C>T (p.Asn344=)

Gene: PTPN2 (protein tyrosine phosphatase non-receptor type 2; minus strand). Cytogenetic location: 18p11.21.
Variant type: single nucleotide variant.
Coding change: c.1032C>T on transcript NM_002828.4 (MANE Select); coding-DNA position 1032, C replaced by T.
Protein change: p.Asn344=; no amino-acid change (asparagine 344 retained).
Molecular consequence: synonymous variant.
Genome position (GRCh38, 1-based): chr18:12,801,978, G>A on the plus strand (C>T on the coding strand, the complement: PTPN2 is on the minus strand). VCF-style: chr18-12801978-G-A. GRCh37 (hg19) VCF-style: chr18-12801977-G-A.
Other names: c.1101C>T, p.Asn367= (NM_001207013.2); c.945C>T, p.Asn315= (NM_001308287.1); c.1032C>T, p.Asn344= (NM_080422.3, NM_080423.3).
Identifiers: ClinVar variation 2648603 (VCV002648603.24), dbSNP rs2041446774, ClinGen allele CA503132816.
Genomic context (GRCh38, chr18:12,801,978, plus strand): 5'-TTTTTAAAATAAAAAAGCCTCATCTTTCAGCCTGTAGTTATAGAAAGCTTACCTCTCACT[G>A]TTCTCCTCCATTGTATCTTGCATTTTAGAGGAAAGTCCTGTACATCGGTCACCTGTCAGT-3'
Protein context (NP_002819.2, residues 334-354): SSKMQDTMEE[Asn344=]SESALRKRIR

ClinVar aggregate classification (germline): Likely benign (1 of 4 stars; one submission).

Allele frequency attached by ClinVar (database versions not stated): TOPMed below 0.00001.

Submission:

CeGaT Center for Human Genetics Tuebingen
Classification: Likely benign. Last evaluated: 2022-05-01. Review status: criteria provided, single submitter. Criteria: CeGaT Center For Human Genetics Tuebingen Variant Classification Criteria Version 2. Collection method: clinical testing. Allele origin: germline. Affected: yes. Observed: 1 variant allele.
Comment: PTPN2: PM2:Supporting, BP4, BP7